The following is an entry in ClinVar:

NC_000007.13:g.(?_73150889)_(73604636_?)del

Genes: METTL27 (methyltransferase like 27; minus strand), CLDN4 (claudin 4; plus strand), LIMK1 (LIM domain kinase 1; plus strand), TMEM270 (transmembrane protein 270; plus strand), EIF4H (eukaryotic translation initiation factor 4H; plus strand) and 3 more. Cytogenetic location: 7q11.23.
Variant type: Deletion.
Identifiers: ClinVar variation 1071515 (VCV001071515.1).

ClinVar aggregate classification (germline): Pathogenic (1 of 4 stars; one submission).

Conditions:
Supravalvar aortic stenosis (SVAS). Also called: Supravalvar aortic stenosis, Eisenberg type. Identifiers: Orphanet 3193, MedGen C0003499, MONDO:0008504, OMIM 185500, HP:0004381.

Submission:

Labcorp Genetics (formerly Invitae), Labcorp
Classification: Pathogenic for Supravalvar aortic stenosis. Last evaluated: 2020-08-31. Review status: criteria provided, single submitter. Criteria: Invitae Variant Classification Sherloc (09022015). Collection method: clinical testing. Allele origin: germline.
Comment: A gross deletion of the genomic region encompassing the full coding sequence of the ELN gene has been identified. The boundaries of this event are unknown as the deletion extends beyond the assayed region for this gene and therefore may encompass additional genes. Isolated whole-gene deletions of ELN have not been reported in the literature. However, larger copy number events that include this gene have been reported (PMID: 7726172, 25205790, 10627943, 7557968, 7611295, 8968740, 25205790, 28277377). Loss-of-function variants in ELN are known to be pathogenic (PMID: 11175284). For these reasons, this variant has been classified as Pathogenic.

Literature cited by the submitters: PubMed 7726172; PubMed 25205790; PubMed 10627943; PubMed 7557968; PubMed 7611295; PubMed 8968740; PubMed 28277377; PubMed 11175284.